The following is an entry in ClinVar:

NM_194248.3(OTOF):c.1206-3C>G

Gene: OTOF (otoferlin; minus strand). Cytogenetic location: 2p23.3.
Variant type: single nucleotide variant.
Coding change: c.1206-3C>G on transcript NM_194248.3 (MANE Select); 3 bases into the intron before coding-DNA position 1206, C replaced by G.
Molecular consequence: intron variant.
Genome position (GRCh38, 1-based): chr2:26,483,651, G>C on the plus strand (C>G on the coding strand, the complement: OTOF is on the minus strand). VCF-style: chr2-26483651-G-C. GRCh37 (hg19) VCF-style: chr2-26706519-G-C.
Other names: c.1206-3C>G (NM_001287489.2).
Identifiers: ClinVar variation 4879936 (VCV004879936.1).

ClinVar aggregate classification (germline): VUS-high (0 of 4 stars; one submission).

Conditions:
Autosomal recessive nonsyndromic hearing loss 9. Also called: NEUROSENSORY NONSYNDROMIC RECESSIVE DEAFNESS 9; OTOF-Related Hearing Loss; Deafness, autosomal recessive 9; AUDITORY NEUROPATHY, AUTOSOMAL RECESSIVE, 1, TEMPERATURE-SENSITIVE. Identifiers: Orphanet 90636, MedGen C1832828, MONDO:0010986, OMIM 601071.

Submission:

Diagnosis and Treatment Center of Genetic Hearing Loss, Eye & ENT Hospital of Fudan University
Classification: VUS-high for Autosomal recessive nonsyndromic hearing loss 9. Last evaluated: 2026-02-04. Review status: no assertion criteria provided. Collection method: clinical testing. Allele origin: germline. Inheritance: Autosomal recessive inheritance. Affected: yes.
Comment: The c.1206-3C>G splice region variant in OTOF is absent from population databases (PM2_Supporting). The spliceAI score is 0.94 (PP3). It was identified in trans with pathogenic c.4292T>A (PM3). The phenotype is consistent with auditory neuropathy (PP4).